The following is an entry in ClinVar:

ClinVar aggregate classification (germline): Pathogenic (1 of 4 stars; one submission).

Conditions:
Mucopolysaccharidosis, MPS-II (MPS2). Also called: Attenuated MPS (subtype; formerly known as mild MPS II); Severe MPS II; I2S deficiency; MPS 2; Hunter Syndrome; IDURONATE 2-SULFATASE DEFICIENCY. Identifiers: Orphanet 580, Orphanet 79388, MedGen C0026705, MONDO:0010674, OMIM 309900.

Submission:

Labcorp Genetics (formerly Invitae), Labcorp
Classification: Pathogenic for Mucopolysaccharidosis, MPS-II. Last evaluated: 2020-03-22. Review status: criteria provided, single submitter. Criteria: Invitae Variant Classification Sherloc (09022015). Collection method: clinical testing. Allele origin: germline.
Comment: For these reasons, this variant has been classified as Pathogenic. This variant disrupts the C-terminus of the IDS protein. Other variant(s) that disrupt this region (p.Arg443*) have been determined to be pathogenic (PMID: 1303211, 21291454, 21829674, 18500569, 27146977). This suggests that variants that disrupt this region of the protein are likely to be causative of disease. This variant has not been reported in the literature in individuals with IDS-related conditions. This variant is not present in population databases (ExAC no frequency). This sequence change results in a premature translational stop signal in the IDS gene (p.Glu372Glyfs*19). While this is not anticipated to result in nonsense mediated decay, it is expected to disrupt the last 179 amino acids of the IDS protein.

Literature cited by the submitters: PubMed 1303211; PubMed 21291454; PubMed 21829674; PubMed 18500569; PubMed 27146977.

NM_000202.8(IDS):c.1115del (p.Glu372fs)

Genes: IDS (iduronate 2-sulfatase; minus strand), LOC106050102 (IDS recombination region; plus strand). Cytogenetic location: Xq28.
Variant type: Deletion.
Coding change: c.1115del on transcript NM_000202.8 (MANE Select); coding-DNA position 1115, one base deleted (A; older notation c.1115delA).
Protein change: p.Glu372fs; shifts the reading frame from glutamic acid 372.
Molecular consequence: frameshift variant.
Genome position (GRCh38, 1-based): chrX:149,486,990, T deleted on the plus strand (A on the coding strand, the reverse complement: IDS is on the minus strand). VCF-style (leftmost placement, unchanged base first): chrX-149486989-CT-C. GRCh37 (hg19) VCF-style: chrX-148568520-CT-C.
Other names: c.845del, p.Glu282fs (NM_001166550.4); short protein forms E282fs, E372fs.
Identifiers: ClinVar variation 1068822 (VCV001068822.9), dbSNP rs2124005776, ClinGen allele CA2499226414.
Genomic context (GRCh38, chrX:149,486,989, plus strand): 5'-CTCCATCAACTGTGAGGCGGAATCAAAAGGGTCGAGGTAAGGGAAAAGCTTCTCGCCTGC[CT>C]CCGGAAGTGAAGCCGTCCTTCCAGGAACATAGAATATCAGGGGAACATGGGTAGCAACAT-3'